The following is an entry in ClinVar:

NM_000334.4(SCN4A):c.1845+57C>T

Gene: SCN4A (sodium voltage-gated channel alpha subunit 4; minus strand). Cytogenetic location: 17q23.3.
Variant type: single nucleotide variant.
Coding change: c.1845+57C>T on transcript NM_000334.4 (MANE Select); 57 bases into the intron after coding-DNA position 1845, C replaced by T.
Molecular consequence: intron variant.
Genome position (GRCh38, 1-based): chr17:63,961,136, G>A on the plus strand (C>T on the coding strand, the complement: SCN4A is on the minus strand). VCF-style: chr17-63961136-G-A. GRCh37 (hg19) VCF-style: chr17-62038496-G-A.
Identifiers: ClinVar variation 678979 (VCV000678979.2), dbSNP rs60911788, ClinGen allele CA292967432.

ClinVar aggregate classification (germline): Likely benign. Review status: criteria provided, multiple submitters, no conflicts (2 of 4 stars). 2 submissions from 2 submitters: Likely benign (2). Last evaluated 2018-06-14.

Allele frequency attached by ClinVar (database versions not stated): gnomAD exomes 0.00103; gnomAD 0.01485 and 0.01585; TOPMed 0.01725; 1000 Genomes Project 0.01757; 1000 Genomes Project 30x 0.01827.
gnomAD v4.1: 3,190 of 1,116,898 alleles (0.29%); highest among the groups gnomAD compares: African/African-American, 4.4%; 72 homozygotes.

Submissions (2):

GeneDx
Classification: Likely benign. Last evaluated: 2018-06-14. Review status: criteria provided, single submitter. Criteria: GeneDx Variant Classification (06012015). Collection method: clinical testing. Allele origin: germline. Affected: yes.
Comment: This variant is considered likely benign or benign based on one or more of the following criteria: it is a conservative change, it occurs at a poorly conserved position in the protein, it is predicted to be benign by multiple in silico algorithms, and/or has population frequency not consistent with disease.

Breakthrough Genomics
Classification: Likely benign. Review status: criteria provided, single submitter. Criteria: ACMG Guidelines, 2015. Collection method: not provided. Allele origin: germline. Inheritance: Autosomal recessive inheritance. Affected: yes.